The following is an entry in ClinVar:

ClinVar aggregate classification (germline): Uncertain significance (1 of 4 stars; one submission).

Submission:

Ambry Genetics
Classification: Uncertain significance. Last evaluated: 2023-09-16. Review status: criteria provided, single submitter. Criteria: Ambry Variant Classification Scheme 2023. Collection method: clinical testing. Allele origin: germline.
Comment: The p.A931P variant (also known as c.2791G>C), located in coding exon 14 of the NPAT gene, results from a G to C substitution at nucleotide position 2791. The alanine at codon 931 is replaced by proline, an amino acid with highly similar properties. This amino acid position is conserved. In addition, the in silico prediction for this alteration is inconclusive. Since supporting evidence is limited at this time, the clinical significance of this alteration remains unclear.

NM_002519.3(NPAT):c.2791G>C (p.Ala931Pro)

Gene: NPAT (nuclear protein, coactivator of histone transcription; minus strand). Cytogenetic location: 11q22.3.
Variant type: single nucleotide variant.
Coding change: c.2791G>C on transcript NM_002519.3 (MANE Select); coding-DNA position 2791, G replaced by C.
Protein change: p.Ala931Pro; replaces alanine 931 with proline.
Molecular consequence: missense variant.
Genome position (GRCh38, 1-based): chr11:108,170,038, C>G on the plus strand (G>C on the coding strand, the complement: NPAT is on the minus strand). VCF-style: chr11-108170038-C-G. GRCh37 (hg19) VCF-style: chr11-108040765-C-G.
Other names: c.2791G>C, p.Ala931Pro (NM_001321307.1); short protein forms A931P.
Identifiers: ClinVar variation 3222556 (VCV003222556.1), dbSNP rs2496711610, ClinGen allele CA382512219.